The following is an entry in ClinVar:

NM_004614.5(TK2):c.357C>G (p.Asp119Glu)

Gene: TK2 (thymidine kinase 2; minus strand). Cytogenetic location: 16q21.
Variant type: single nucleotide variant.
Coding change: c.357C>G on transcript NM_004614.5 (MANE Select); coding-DNA position 357, C replaced by G.
Protein change: p.Asp119Glu; replaces aspartic acid 119 with glutamic acid.
Molecular consequence: missense variant. On other transcripts: non-coding transcript variant (1).
Genome position (GRCh38, 1-based): chr16:66,531,398, G>C on the plus strand (C>G on the coding strand, the complement: TK2 is on the minus strand). VCF-style: chr16-66531398-G-C. GRCh37 (hg19) VCF-style: chr16-66565301-G-C.
Other names: c.264C>G, p.Asp88Glu (NM_001172643.1, NM_001271935.1); c.282C>G, p.Asp94Glu (NM_001172644.2); c.303C>G, p.Asp101Glu (NM_001172645.2); c.210C>G, p.Asp70Glu (NM_001271934.2); c.66C>G, p.Asp22Glu (NM_001272050.2); short protein forms D94E, D22E, D119E, D70E, D101E, D88E.
Identifiers: ClinVar variation 3671648 (VCV003671648.2).

ClinVar aggregate classification (germline): Uncertain significance (1 of 4 stars; one submission).

gnomAD v4.1: 2 of 1,614,106 alleles (0.00012%); highest among the groups gnomAD compares: African/African-American, 0.0027%; no homozygotes.

Submission:

Labcorp Genetics (formerly Invitae), Labcorp
Classification: Uncertain significance. Last evaluated: 2024-11-06. Review status: criteria provided, single submitter. Criteria: Invitae Variant Classification Sherloc (09022015). Collection method: clinical testing. Allele origin: germline.
Comment: This sequence change replaces aspartic acid, which is acidic and polar, with glutamic acid, which is acidic and polar, at codon 119 of the TK2 protein (p.Asp119Glu). This variant is present in population databases (no rsID available, gnomAD 0.01%). This variant has not been reported in the literature in individuals affected with TK2-related conditions. Invitae Evidence Modeling of protein sequence and biophysical properties (such as structural, functional, and spatial information, amino acid conservation, physicochemical variation, residue mobility, and thermodynamic stability) indicates that this missense variant is not expected to disrupt TK2 protein function with a negative predictive value of 95%. In summary, the available evidence is currently insufficient to determine the role of this variant in disease. Therefore, it has been classified as a Variant of Uncertain Significance.